The following is an entry in ClinVar:

ClinVar aggregate classification (germline): Uncertain significance. Review status: criteria provided, multiple submitters, no conflicts (2 of 4 stars). 2 submissions from 2 submitters: Uncertain significance (2). Last evaluated 2025-07-09.

Conditions:
Hereditary nonpolyposis colorectal neoplasms. Identifiers: MedGen C0009405, MeSH D003123.
Hereditary cancer-predisposing syndrome. Also called: Neoplastic Syndromes, Hereditary; Tumor predisposition; Hereditary Cancer Syndrome; Hereditary neoplastic syndrome. Identifiers: Orphanet 140162, MedGen C0027672, MeSH D009386, MONDO:0015356.

Allele frequency attached by ClinVar (database versions not stated): gnomAD exomes below 0.00001.

Submissions (2):

Ambry Genetics
Classification: Uncertain significance for Hereditary cancer-predisposing syndrome. Last evaluated: 2025-07-09. Review status: criteria provided, single submitter. Criteria: Ambry Variant Classification Scheme 2023. Collection method: clinical testing. Allele origin: germline.
Comment: The p.L778F variant (also known as c.2332C>T), located in coding exon 4 of the MSH6 gene, results from a C to T substitution at nucleotide position 2332. The leucine at codon 778 is replaced by phenylalanine, an amino acid with highly similar properties. This amino acid position is highly conserved in available vertebrate species. In addition, this alteration is predicted to be deleterious by in silico analysis. Based on the available evidence, the clinical significance of this variant remains unclear.

Labcorp Genetics (formerly Invitae), Labcorp
Classification: Uncertain significance for Hereditary nonpolyposis colorectal neoplasms. Last evaluated: 2019-09-30. Review status: criteria provided, single submitter. Criteria: Invitae Variant Classification Sherloc (09022015). Collection method: clinical testing. Allele origin: germline.
Comment: This sequence change replaces leucine with phenylalanine at codon 778 of the MSH6 protein (p.Leu778Phe). The leucine residue is highly conserved and there is a small physicochemical difference between leucine and phenylalanine. This variant is not present in population databases (ExAC no frequency). This variant has not been reported in the literature in individuals with MSH6-related conditions. Algorithms developed to predict the effect of missense changes on protein structure and function are either unavailable or do not agree on the potential impact of this missense change (SIFT: "Deleterious"; PolyPhen-2: "Probably Damaging"; Align-GVGD: "Class C0"). In summary, the available evidence is currently insufficient to determine the role of this variant in disease. Therefore, it has been classified as a Variant of Uncertain Significance.

NM_000179.3(MSH6):c.2332C>T (p.Leu778Phe)

Gene: MSH6 (mutS homolog 6; plus strand). Cytogenetic location: 2p16.3.
Variant type: single nucleotide variant.
Coding change: c.2332C>T on transcript NM_000179.3 (MANE Select); coding-DNA position 2332, C replaced by T.
Protein change: p.Leu778Phe; replaces leucine 778 with phenylalanine.
Molecular consequence: missense variant.
Genome position (GRCh38, 1-based): chr2:47,800,315, C>T. VCF-style: chr2-47800315-C-T. GRCh37 (hg19) VCF-style: chr2-48027454-C-T.
Other names: c.1942C>T, p.Leu648Phe (NM_001281492.2); c.1426C>T, p.Leu476Phe (NM_001281493.2, NM_001281494.2); short protein forms L476F, L778F, L648F.
Identifiers: ClinVar variation 821112 (VCV000821112.15), dbSNP rs1276682605, ClinGen allele CA346753373.